The following is an entry in ClinVar:

ClinVar aggregate classification (germline): Pathogenic (1 of 4 stars; one submission).

Conditions:
Marfan syndrome (MFS). Also called: MARFAN SYNDROME, TYPE I; FBN1-Related Marfan Syndrome; Marfan syndrome type 1; Marfan's syndrome; Marfan syndrome, classic. Identifiers: Orphanet 284963, Orphanet 558, MedGen C0024796, MONDO:0007947, OMIM 154700.
Familial thoracic aortic aneurysm and aortic dissection (TAAD). Also called: Thoracic aortic aneurysms and dissections. Identifiers: Orphanet 91387, MedGen C4707243, MONDO:0019625.

Submission:

Labcorp Genetics (formerly Invitae), Labcorp
Classification: Pathogenic for Marfan syndrome; Familial thoracic aortic aneurysm and aortic dissection. Last evaluated: 2025-04-21. Review status: criteria provided, single submitter. Criteria: Invitae Variant Classification Sherloc (09022015). Collection method: clinical testing. Allele origin: germline.
Comment: This sequence change creates a premature translational stop signal (p.Ser113Leufs*16) in the FBN1 gene. It is expected to result in an absent or disrupted protein product. Loss-of-function variants in FBN1 are known to be pathogenic (PMID: 17657824, 19293843). This variant is not present in population databases (gnomAD no frequency). This variant has not been reported in the literature in individuals affected with FBN1-related conditions. ClinVar contains an entry for this variant (Variation ID: 457193). For these reasons, this variant has been classified as Pathogenic.

Literature cited by the submitters: PubMed 17657824; PubMed 19293843.

NM_000138.5(FBN1):c.336dup (p.Ser113fs)

Gene: FBN1 (fibrillin 1; minus strand). Cytogenetic location: 15q21.1.
Variant type: Duplication.
Coding change: c.336dup on transcript NM_000138.5 (MANE Select); coding-DNA position 336, one base duplicated (C; older notation c.336dupC).
Protein change: p.Ser113fs; shifts the reading frame from serine 113.
Molecular consequence: frameshift variant.
Genome position (GRCh38, 1-based): chr15:48,610,738, G duplicated on the plus strand (C on the coding strand, the reverse complement: FBN1 is on the minus strand). VCF-style (leftmost placement, unchanged base first): chr15-48610737-A-AG. GRCh37 (hg19) VCF-style: chr15-48902934-A-AG.
Other names: c.336dupC (NM_000138.4); short protein forms S113fs.
Identifiers: ClinVar variation 457193 (VCV000457193.6), dbSNP rs1555405528, ClinGen allele CA658656485.